The following is an entry in ClinVar:

NM_000264.5(PTCH1):c.3089dup (p.Phe1031fs)

Gene: PTCH1 (patched 1; minus strand). Cytogenetic location: 9q22.32.
Variant type: Duplication.
Coding change: c.3089dup on transcript NM_000264.5 (MANE Select); coding-DNA position 3089, one base duplicated (T; older notation c.3089dupT).
Protein change: p.Phe1031fs; shifts the reading frame from phenylalanine 1031.
Molecular consequence: frameshift variant. On other transcripts: non-coding transcript variant (1).
Genome position (GRCh38, 1-based): chr9:95,458,092, A duplicated on the plus strand (T on the coding strand, the reverse complement: PTCH1 is on the minus strand). VCF-style (leftmost placement, unchanged base first): chr9-95458091-C-CA. GRCh37 (hg19) VCF-style: chr9-98220373-C-CA.
Other names: c.2891dup, p.Phe965fs (NM_001083602.3); c.3086dup, p.Phe1030fs (NM_001083603.3); c.2636dup, p.Phe880fs (NM_001083604.3, NM_001083605.3, NM_001083606.3 and 1 more transcripts); c.2933dup, p.Phe979fs (NM_001354918.2); c.3089dupT (NM_000264.3); short protein forms F979fs, F1030fs, F1031fs, F965fs, F880fs.
Identifiers: ClinVar variation 4675918 (VCV004675918.1).

ClinVar aggregate classification (germline): Pathogenic (1 of 4 stars; one submission).

Conditions:
Hereditary cancer-predisposing syndrome. Also called: Neoplastic Syndromes, Hereditary; Tumor predisposition; Hereditary Cancer Syndrome; Hereditary neoplastic syndrome. Identifiers: Orphanet 140162, MedGen C0027672, MeSH D009386, MONDO:0015356.

Submission:

Ambry Genetics
Classification: Pathogenic for Hereditary cancer-predisposing syndrome. Last evaluated: 2025-11-07. Review status: criteria provided, single submitter. Criteria: Ambry Variant Classification Scheme 2023. Collection method: clinical testing. Allele origin: germline.
Comment: The c.3089dupT pathogenic mutation, located in coding exon 18 of the PTCH1 gene, results from a duplication of T at nucleotide position 3089, causing a translational frameshift with a predicted alternate stop codon (p.F1031Vfs*114). This variant was reported in individual(s) with features consistent with PTCH1-related nevoid basal cell carcinoma syndrome (Ambry internal data). This variant is considered to be rare based on population cohorts in the Genome Aggregation Database (gnomAD). This alteration is expected to result in loss of function by premature protein truncation or nonsense-mediated mRNA decay. As such, this alteration is interpreted as a disease-causing mutation.